The following is an entry in ClinVar:

ClinVar aggregate classification (germline): Conflicting classifications of pathogenicity. Review status: criteria provided, conflicting classifications (1 of 4 stars). 4 submissions from 4 submitters: Uncertain significance (3); Likely benign (1). Last evaluated 2022-10-05.

Conditions:
Bethlem myopathy 1A. Also called: MYOPATHY, BENIGN CONGENITAL, WITH CONTRACTURES; Bethlem myopathy 1; Bethlem Muscular Dystrophy. Identifiers: Orphanet 610, MedGen CN029274, MONDO:0024530, OMIM 158810.

Allele frequency attached by ClinVar (database versions not stated): TOPMed 0.00001; gnomAD 0.00002; gnomAD exomes 0.00004 and 0.00005; ExAC 0.00005.
gnomAD v4.1: 74 of 1,614,032 alleles (0.0046%); highest among the groups gnomAD compares: Non-Finnish European, 0.0058%; no homozygotes.

Submissions (4):

Labcorp Genetics (formerly Invitae), Labcorp
Classification: Likely benign for Bethlem myopathy 1A. Last evaluated: 2022-10-05. Review status: criteria provided, single submitter. Criteria: Invitae Variant Classification Sherloc (09022015). Collection method: clinical testing. Allele origin: germline.

GeneDx
Classification: Uncertain significance. Last evaluated: 2021-04-23. Review status: criteria provided, single submitter. Criteria: GeneDx Variant Classification Process June 2021. Collection method: clinical testing. Allele origin: germline. Affected: yes.
Comment: Identified in a patient with clinically suspected limb-girdle muscular dystrophy who also harbored another variant in the COL6A3 gene, but it is not known whether the variants occurred on the same (in cis) or on different (in trans) chromosomes, and additional familial segregation and clinical information were not included (Nallamilli et al., 2018); In silico analysis supports that this missense variant does not alter protein structure/function; This variant is associated with the following publications: (PMID: 30564623)

Revvity Omics, Revvity
Classification: Uncertain significance. Last evaluated: 2019-10-14. Review status: criteria provided, single submitter. Criteria: ACMG Guidelines, 2015. Collection method: clinical testing. Allele origin: germline.

Eurofins Ntd Llc (ga)
Classification: Uncertain significance. Last evaluated: 2018-05-07. Review status: criteria provided, single submitter. Criteria: EGL ClinVar v180209 classification definitions. Collection method: clinical testing. Allele origin: germline. Observed: 2 variant alleles, 2 heterozygotes.

NM_004369.4(COL6A3):c.8393T>C (p.Val2798Ala)

Gene: COL6A3 (collagen type VI alpha 3 chain; minus strand). Cytogenetic location: 2q37.3.
Variant type: single nucleotide variant.
Coding change: c.8393T>C on transcript NM_004369.4 (MANE Select); coding-DNA position 8393, T replaced by C.
Protein change: p.Val2798Ala; replaces valine 2798 with alanine.
Molecular consequence: missense variant.
Genome position (GRCh38, 1-based): chr2:237,340,523, A>G on the plus strand (T>C on the coding strand, the complement: COL6A3 is on the minus strand). VCF-style: chr2-237340523-A-G. GRCh37 (hg19) VCF-style: chr2-238249166-A-G.
Other names: c.6572T>C, p.Val2191Ala (NM_057166.5); c.7775T>C, p.Val2592Ala (NM_057167.4); short protein forms V2798A, V2592A, V2191A.
Identifiers: ClinVar variation 499043 (VCV000499043.18), dbSNP rs749169391, ClinGen allele CA2187562.